The following is an entry in ClinVar:

NM_000075.4(CDK4):c.118C>T (p.Pro40Ser)

Gene: CDK4 (cyclin dependent kinase 4; minus strand). Cytogenetic location: 12q14.1.
Variant type: single nucleotide variant.
Coding change: c.118C>T on transcript NM_000075.4 (MANE Select); coding-DNA position 118, C replaced by T.
Protein change: p.Pro40Ser; replaces proline 40 with serine.
Molecular consequence: missense variant.
Genome position (GRCh38, 1-based): chr12:57,751,600, G>A on the plus strand (C>T on the coding strand, the complement: CDK4 is on the minus strand). VCF-style: chr12-57751600-G-A. GRCh37 (hg19) VCF-style: chr12-58145383-G-A.
Other names: short protein forms P40S.
Identifiers: ClinVar variation 1744543 (VCV001744543.7), dbSNP rs761965434, ClinGen allele CA6657884.

ClinVar aggregate classification (germline): Uncertain significance. Review status: criteria provided, multiple submitters, no conflicts (2 of 4 stars). 2 submissions from 2 submitters: Uncertain significance (2). Last evaluated 2024-02-19.

Conditions:
Familial melanoma. Also called: Hereditary melanoma; Hereditary cutaneous melanoma. Identifiers: Orphanet 618, MedGen C1512419, MONDO:0018961.
Hereditary cancer-predisposing syndrome. Also called: Hereditary Cancer Syndrome; Neoplastic Syndromes, Hereditary; Tumor predisposition; Hereditary neoplastic syndrome. Identifiers: Orphanet 140162, MedGen C0027672, MeSH D009386, MONDO:0015356.

Allele frequency attached by ClinVar (database versions not stated): ExAC 0.00001; gnomAD exomes 0.00001.
gnomAD v4.1: 4 of 1,614,088 alleles (0.00025%); highest among the groups gnomAD compares: South Asian, 0.0044%; no homozygotes.

Submissions (2):

Labcorp Genetics (formerly Invitae), Labcorp
Classification: Uncertain significance for Familial melanoma. Last evaluated: 2024-02-19. Review status: criteria provided, single submitter. Criteria: Invitae Variant Classification Sherloc (09022015). Collection method: clinical testing. Allele origin: germline.
Comment: This sequence change replaces proline, which is neutral and non-polar, with serine, which is neutral and polar, at codon 40 of the CDK4 protein (p.Pro40Ser). This variant is present in population databases (rs761965434, gnomAD 0.003%). This variant has not been reported in the literature in individuals affected with CDK4-related conditions. ClinVar contains an entry for this variant (Variation ID: 1744543). Advanced modeling of protein sequence and biophysical properties (such as structural, functional, and spatial information, amino acid conservation, physicochemical variation, residue mobility, and thermodynamic stability) performed at Invitae indicates that this missense variant is not expected to disrupt CDK4 protein function with a negative predictive value of 95%. In summary, the available evidence is currently insufficient to determine the role of this variant in disease. Therefore, it has been classified as a Variant of Uncertain Significance.

Ambry Genetics
Classification: Uncertain significance for Hereditary cancer-predisposing syndrome. Last evaluated: 2021-12-02. Review status: criteria provided, single submitter. Criteria: Ambry Variant Classification Scheme 2023. Collection method: clinical testing. Allele origin: germline.
Comment: The p.P40S variant (also known as c.118C>T), located in coding exon 1 of the CDK4 gene, results from a C to T substitution at nucleotide position 118. The proline at codon 40 is replaced by serine, an amino acid with similar properties. This amino acid position is well conserved in available vertebrate species. In addition, this alteration is predicted to be tolerated by in silico analysis. Since supporting evidence is limited at this time, the clinical significance of this alteration remains unclear.